The following is an entry in ClinVar:

NM_001277313.2(FMN1):c.735C>T (p.Asp245=)

Gene: FMN1 (formin 1; minus strand). Cytogenetic location: 15q13.3.
Variant type: single nucleotide variant.
Coding change: c.735C>T on transcript NM_001277313.2 (MANE Select); coding-DNA position 735, C replaced by T.
Protein change: p.Asp245=; no amino-acid change (aspartic acid 245 retained).
Molecular consequence: synonymous variant.
Genome position (GRCh38, 1-based): chr15:33,154,180, G>A on the plus strand (C>T on the coding strand, the complement: FMN1 is on the minus strand). VCF-style: chr15-33154180-G-A. GRCh37 (hg19) VCF-style: chr15-33446381-G-A.
Other names: c.735C>T, p.Asp245= (NM_001277314.2).
Identifiers: ClinVar variation 1997634 (VCV001997634.4), dbSNP rs954532671, ClinGen allele CA489659298.

ClinVar aggregate classification (germline): Uncertain significance (1 of 4 stars; one submission).

gnomAD v4.1: 4 of 1,536,326 alleles (0.00026%); highest among the groups gnomAD compares: African/African-American, 0.0027%; no homozygotes.

Submission:

Labcorp Genetics (formerly Invitae), Labcorp
Classification: Uncertain significance. Last evaluated: 2022-05-21. Review status: criteria provided, single submitter. Criteria: Invitae Variant Classification Sherloc (09022015). Collection method: clinical testing. Allele origin: germline.
Comment: This variant is present in population databases (no rsID available, gnomAD 0.02%). The FMN1 gene has multiple clinically relevant transcripts. This variant occurs in alternate transcript NM_001277314.1, and corresponds to NM_001103184.3:c.-86296C>T in the primary transcript. This sequence change affects codon 245 of the FMN1 mRNA. It is a 'silent' change, meaning that it does not change the encoded amino acid sequence of the FMN1 protein. This variant has not been reported in the literature in individuals affected with FMN1-related conditions. Experimental studies and prediction algorithms are not available or were not evaluated, and the effect of this variant on mRNA splicing is currently unknown. In summary, the available evidence is currently insufficient to determine the role of this variant in disease. Therefore, it has been classified as a Variant of Uncertain Significance.